The following is an entry in ClinVar:

NM_002855.5(NECTIN1):c.556del (p.Glu186fs)

Gene: NECTIN1 (nectin cell adhesion molecule 1; minus strand). Cytogenetic location: 11q23.3.
Variant type: Deletion.
Coding change: c.556del on transcript NM_002855.5 (MANE Select); coding-DNA position 556, one base deleted (G; older notation c.556delG).
Protein change: p.Glu186fs; shifts the reading frame from glutamic acid 186.
Molecular consequence: frameshift variant.
Genome position (GRCh38, 1-based): chr11:119,677,732, C deleted on the plus strand (G on the coding strand, the reverse complement: NECTIN1 is on the minus strand); the first of 3 consecutive C bases (chr11:119,677,732-119,677,734); deleting any one gives the same sequence. VCF-style (leftmost placement, unchanged base first): chr11-119677731-TC-T. GRCh37 (hg19) VCF-style: chr11-119548441-TC-T.
Other names: c.556delG (NM_002855.5); c.556del, p.Glu186fs (NM_203285.2, NM_203286.2); short protein forms E186fs.
Identifiers: ClinVar variation 8970 (VCV000008970.3), dbSNP rs876657374, ClinGen allele CA10575505.

ClinVar aggregate classification (germline): Pathogenic. Review status: criteria provided, single submitter (1 of 4 stars). 2 submissions from 2 submitters: Pathogenic (1). 1 of the submissions does not count toward it. Last evaluated 2025-06-04.

Conditions:
Cleft lip/palate-ectodermal dysplasia syndrome (CLPED1). Also called: Zlotogora syndrome; ECTODERMAL DYSPLASIA, CLEFT LIP AND PALATE, MENTAL RETARDATION, AND SYNDACTYLY; ECTODERMAL DYSPLASIA, MARGARITA ISLAND TYPE; ECTODERMAL DYSPLASIA, TYPE 4; ZLOTOGORA-OGUR SYNDROME. Identifiers: Orphanet 3253, MedGen C2931488, MONDO:0009151, OMIM 225060.

Submissions (2):

First Genomix Gene Laboratory, Genetic Diagnostics Department
Classification: Pathogenic for Cleft lip/palate-ectodermal dysplasia syndrome. Last evaluated: 2025-06-04. Review status: criteria provided, single submitter. Criteria: ACMG Guidelines, 2015. Collection method: clinical testing. Allele origin: germline. Inheritance: Autosomal recessive inheritance. Affected: no. Observed: 1 variant allele.

OMIM
Classification: Pathogenic for CLEFT LIP/PALATE-ECTODERMAL DYSPLASIA SYNDROME. Last evaluated: 2000-08-01. Review status: no assertion criteria provided. Collection method: literature only. Allele origin: germline. Not counted in ClinVar's aggregate classification.

Literature cited by the submitters: PubMed 3035184 (cited by OMIM); PubMed 10932188 (cited by OMIM).